The following is an entry in ClinVar:

NM_000540.3(RYR1):c.14257G>A (p.Ala4753Thr)

Gene: RYR1 (ryanodine receptor 1; plus strand). Cytogenetic location: 19q13.2.
Variant type: single nucleotide variant.
Coding change: c.14257G>A on transcript NM_000540.3 (MANE Select); coding-DNA position 14257, G replaced by A.
Protein change: p.Ala4753Thr; replaces alanine 4753 with threonine.
Molecular consequence: missense variant.
Genome position (GRCh38, 1-based): chr19:38,578,002, G>A. VCF-style: chr19-38578002-G-A. GRCh37 (hg19) VCF-style: chr19-39068642-G-A.
Other names: c.14242G>A, p.Ala4748Thr (NM_001042723.2); short protein forms A4753T, A4748T.
Identifiers: ClinVar variation 544520 (VCV000544520.17), dbSNP rs138156449, ClinGen allele CA061015.

ClinVar aggregate classification (germline): Conflicting classifications of pathogenicity. Review status: criteria provided, conflicting classifications (1 of 4 stars). 5 submissions from 5 submitters: Uncertain significance (3); Likely benign (1). 1 of the submissions does not count toward it. Last evaluated 2024-04-23.

Conditions:
RYR1-related disorder. Also called: RYR1-related condition; RYR1-related disorders. Identifiers: MedGen CN239331.

Allele frequency attached by ClinVar (database versions not stated): gnomAD exomes 0.00006 and 0.00022; ExAC 0.00027; TOPMed 0.00072; gnomAD 0.00076 and 0.00080; 1000 Genomes Project 0.00140; 1000 Genomes Project 30x 0.00141.
gnomAD v4.1: 212 of 1,614,084 alleles (0.013%); highest among the groups gnomAD compares: African/African-American, 0.26%; 1 homozygote.

Submissions (5):

Revvity Omics, Revvity
Classification: Uncertain significance. Last evaluated: 2024-04-23. Review status: criteria provided, single submitter. Criteria: ACMG Guidelines, 2015. Collection method: clinical testing. Allele origin: germline.

Blueprint Genetics
Classification: Uncertain significance. Last evaluated: 2023-09-16. Review status: criteria provided, single submitter. Criteria: ACMG Guidelines, 2015. Collection method: clinical testing. Allele origin: germline.

GeneDx
Classification: Uncertain significance. Last evaluated: 2022-12-27. Review status: criteria provided, single submitter. Criteria: GeneDx Variant Classification Process June 2021. Collection method: clinical testing. Allele origin: germline. Affected: yes.
Comment: In silico analysis supports that this missense variant does not alter protein structure/function; Has not been previously published as pathogenic or benign to our knowledge; This variant is associated with the following publications: (PMID: 22473935, 20681998)

Labcorp Genetics (formerly Invitae), Labcorp
Classification: Likely benign for RYR1-related disorder. Last evaluated: 2021-08-18. Review status: criteria provided, single submitter. Criteria: Invitae Variant Classification Sherloc (09022015). Collection method: clinical testing. Allele origin: germline.

PreventionGenetics, part of Exact Sciences
Classification: Likely benign for RYR1-related condition. Last evaluated: 2022-06-27. Review status: no assertion criteria provided. Collection method: clinical testing. Allele origin: germline. Not counted in ClinVar's aggregate classification.
Comment: This variant is classified as likely benign based on ACMG/AMP sequence variant interpretation guidelines (Richards et al. 2015 PMID: 25741868, with internal and published modifications).